The following is an entry in ClinVar:

NM_001349253.2(SCN11A):c.268-3C>T

Gene: SCN11A (sodium voltage-gated channel alpha subunit 11; minus strand). Cytogenetic location: 3p22.2.
Variant type: single nucleotide variant.
Coding change: c.268-3C>T on transcript NM_001349253.2 (MANE Select); 3 bases into the intron before coding-DNA position 268, C replaced by T.
Molecular consequence: intron variant.
Genome position (GRCh38, 1-based): chr3:38,946,910, G>A on the plus strand (C>T on the coding strand, the complement: SCN11A is on the minus strand). VCF-style: chr3-38946910-G-A. GRCh37 (hg19) VCF-style: chr3-38988401-G-A.
Other names: c.268-3C>T (NM_014139.3).
Identifiers: ClinVar variation 662383 (VCV000662383.41), dbSNP rs200598776, ClinGen allele CA2322663.

ClinVar aggregate classification (germline): Conflicting classifications of pathogenicity. Review status: criteria provided, conflicting classifications (1 of 4 stars). 8 submissions from 8 submitters: Uncertain significance (1); Likely benign (3). 4 of the submissions do not count toward it. Last evaluated 2026-01-21.

Conditions:
Inborn genetic diseases. Identifiers: MedGen C0950123, MeSH D030342.
Hereditary sensory and autonomic neuropathy type 7. Also called: HSAN VII; Neuropathy, hereditary sensory and autonomic, type VII. Identifiers: Orphanet 391397, MedGen C3809882, MONDO:0014244, OMIM 615548.
Familial episodic pain syndrome with predominantly lower limb involvement. Also called: Episodic pain syndrome, familial, 3. Identifiers: Orphanet 391384, Orphanet 391392, MedGen C3809899, MONDO:0014247, OMIM 615552.
SCN11A-related disorder. Also called: SCN11A-related condition.

Allele frequency attached by ClinVar (database versions not stated): gnomAD 0.00034 and 0.00037; TOPMed 0.00035; ESP Exome Variant Server 0.00062.
gnomAD v4.1: 910 of 1,556,204 alleles (0.058%); highest among the groups gnomAD compares: Non-Finnish European, 0.077%; no homozygotes.

Submissions (8):

Labcorp Genetics (formerly Invitae), Labcorp
Classification: Uncertain significance for Familial episodic pain syndrome with predominantly lower limb involvement; Hereditary sensory and autonomic neuropathy type 7. Last evaluated: 2026-01-21. Review status: criteria provided, single submitter. Criteria: Invitae Variant Classification Sherloc (09022015). Collection method: clinical testing. Allele origin: germline.
Comment: This sequence change falls in intron 1 of the SCN11A gene. It does not directly change the encoded amino acid sequence of the SCN11A protein. It affects a nucleotide within the consensus splice site. This variant is present in population databases (rs200598776, gnomAD 0.06%), and has an allele count higher than expected for a pathogenic variant. This variant has not been reported in the literature in individuals affected with SCN11A-related conditions. ClinVar contains an entry for this variant (Variation ID: 662383). Variants that disrupt the consensus splice site are a relatively common cause of aberrant splicing (PMID: 17576681, 9536098). Algorithms developed to predict the effect of sequence changes on RNA splicing suggest that this variant may disrupt the consensus splice site. In summary, the available evidence is currently insufficient to determine the role of this variant in disease. Therefore, it has been classified as a Variant of Uncertain Significance.

CeGaT Center for Human Genetics Tuebingen
Classification: Likely benign. Last evaluated: 2025-07-01. Review status: criteria provided, single submitter. Criteria: CeGaT Center For Human Genetics Tuebingen Variant Classification Criteria Version 2. Collection method: clinical testing. Allele origin: germline. Affected: yes. Observed: 2 variant alleles.
Comment: SCN11A: BS2

Blueprint Genetics
Classification: Likely benign. Last evaluated: 2024-10-18. Review status: criteria provided, single submitter. Criteria: ACMG Guidelines, 2015. Collection method: clinical testing. Allele origin: germline.

Ambry Genetics
Classification: Likely benign for Inborn genetic diseases. Last evaluated: 2019-10-25. Review status: criteria provided, single submitter. Criteria: Ambry Variant Classification Scheme 2023. Collection method: clinical testing. Allele origin: germline.

PreventionGenetics, part of Exact Sciences
Classification: Likely benign for SCN11A-related condition. Last evaluated: 2024-09-11. Review status: no assertion criteria provided. Collection method: clinical testing. Allele origin: germline. Not counted in ClinVar's aggregate classification.
Comment: This variant is classified as likely benign based on ACMG/AMP sequence variant interpretation guidelines (Richards et al. 2015 PMID: 25741868, with internal and published modifications).

Clinical Genetics DNA and cytogenetics Diagnostics Lab, Erasmus MC, Erasmus Medical Center
Classification: Likely benign. Review status: no assertion criteria provided. Collection method: clinical testing. Allele origin: germline. Affected: yes. Study: VKGL Data-share Consensus. Not counted in ClinVar's aggregate classification.

Genome Diagnostics Laboratory, University Medical Center Utrecht
Classification: Likely benign. Review status: no assertion criteria provided. Collection method: clinical testing. Allele origin: germline. Affected: yes. Study: VKGL Data-share Consensus. Not counted in ClinVar's aggregate classification.

Joint Genome Diagnostic Labs from Nijmegen and Maastricht, Radboudumc and MUMC+
Classification: Likely benign. Review status: no assertion criteria provided. Collection method: clinical testing. Allele origin: germline. Affected: yes. Study: VKGL Data-share Consensus. Not counted in ClinVar's aggregate classification.

Literature cited by the submitters: PubMed 17576681 (cited by Labcorp Genetics (formerly Invitae), Labcorp); PubMed 9536098 (cited by Labcorp Genetics (formerly Invitae), Labcorp).